The following is an entry in ClinVar:

NM_001013838.3(CARMIL2):c.1237G>A (p.Ala413Thr)

Gene: CARMIL2 (capping protein regulator and myosin 1 linker 2; plus strand). Cytogenetic location: 16q22.1.
Variant type: single nucleotide variant.
Coding change: c.1237G>A on transcript NM_001013838.3 (MANE Select); coding-DNA position 1237, G replaced by A.
Protein change: p.Ala413Thr; replaces alanine 413 with threonine.
Molecular consequence: missense variant. On other transcripts: intron variant (1).
Genome position (GRCh38, 1-based): chr16:67,648,217, G>A. VCF-style: chr16-67648217-G-A. GRCh37 (hg19) VCF-style: chr16-67682120-G-A.
Other names: c.1150-21G>A (NM_001317026.3); short protein forms A413T.
Identifiers: ClinVar variation 3067501 (VCV003067501.21), dbSNP rs752404447, ClinGen allele CA8113375.

ClinVar aggregate classification (germline): Uncertain significance (1 of 4 stars; one submission).

Allele frequency attached by ClinVar (database versions not stated): ExAC 0.00001; gnomAD 0.00001; gnomAD exomes 0.00001.
gnomAD v4.1: 6 of 1,603,644 alleles (0.00037%); highest among the groups gnomAD compares: Non-Finnish European, 0.00051%; no homozygotes.

Submission:

CeGaT Center for Human Genetics Tuebingen
Classification: Uncertain significance. Last evaluated: 2024-03-01. Review status: criteria provided, single submitter. Criteria: CeGaT Center For Human Genetics Tuebingen Variant Classification Criteria Version 2. Collection method: clinical testing. Allele origin: germline. Affected: yes. Observed: 1 variant allele.
Comment: CARMIL2: PM2, BP4